The following is an entry in ClinVar:

NM_001166108.2(PALLD):c.1700C>A (p.Pro567Gln)

Gene: PALLD (palladin, cytoskeletal associated protein; plus strand). Cytogenetic location: 4q32.3.
Variant type: single nucleotide variant.
Coding change: c.1700C>A on transcript NM_001166108.2 (MANE Select); coding-DNA position 1700, C replaced by A.
Protein change: p.Pro567Gln; replaces proline 567 with glutamine.
Molecular consequence: missense variant.
Genome position (GRCh38, 1-based): chr4:168,711,659, C>A. VCF-style: chr4-168711659-C-A. GRCh37 (hg19) VCF-style: chr4-169632810-C-A.
Other names: c.554C>A, p.Pro185Gln (NM_001166109.2); c.1700C>A, p.Pro567Gln (NM_016081.4); short protein forms P567Q, P185Q.
Identifiers: ClinVar variation 1778344 (VCV001778344.2), dbSNP rs2531855110, ClinGen allele CA358798021.

ClinVar aggregate classification (germline): Uncertain significance (1 of 4 stars; one submission).

Submission:

Ambry Genetics
Classification: Uncertain significance. Last evaluated: 2022-05-19. Review status: criteria provided, single submitter. Criteria: Ambry Variant Classification Scheme 2023. Collection method: clinical testing. Allele origin: germline.
Comment: The p.P567Q variant (also known as c.1700C>A), located in coding exon 9 of the PALLD gene, results from a C to A substitution at nucleotide position 1700. The proline at codon 567 is replaced by glutamine, an amino acid with similar properties. This amino acid position is conserved. In addition, the in silico prediction for this alteration is inconclusive. Since supporting evidence is limited at this time, the clinical significance of this alteration remains unclear.